The following is an entry in ClinVar:

ClinVar aggregate classification (germline): Uncertain significance (1 of 4 stars; one submission).

Allele frequency attached by ClinVar (database versions not stated): ExAC 0.00001; gnomAD 0.00001; gnomAD exomes 0.00001 and 0.00003; TOPMed 0.00003.
gnomAD v4.1: 16 of 1,607,798 alleles (0.001%); highest among the groups gnomAD compares: East Asian, 0.0089%; no homozygotes.

Submission:

Labcorp Genetics (formerly Invitae), Labcorp
Classification: Uncertain significance. Last evaluated: 2022-07-25. Review status: criteria provided, single submitter. Criteria: Invitae Variant Classification Sherloc (09022015). Collection method: clinical testing. Allele origin: germline.
Comment: Variants that disrupt the consensus splice site are a relatively common cause of aberrant splicing (PMID: 17576681, 9536098). Algorithms developed to predict the effect of sequence changes on RNA splicing suggest that this variant is not likely to affect RNA splicing. In summary, the available evidence is currently insufficient to determine the role of this variant in disease. Therefore, it has been classified as a Variant of Uncertain Significance. ClinVar contains an entry for this variant (Variation ID: 1413953). This variant has not been reported in the literature in individuals affected with SLC9A3-related conditions. The frequency data for this variant in the population databases is considered unreliable, as metrics indicate poor data quality at this position in the gnomAD database. This sequence change falls in intron 14 of the SLC9A3 gene. It does not directly change the encoded amino acid sequence of the SLC9A3 protein. It affects a nucleotide within the consensus splice site.

Literature cited by the submitters: PubMed 17576681; PubMed 9536098.

NM_004174.4(SLC9A3):c.2140+4C>T

Genes: SLC9A3 (solute carrier family 9 member A3), SLC9A3-AS1 (SLC9A3 antisense RNA 1; plus strand). Cytogenetic location: 5p15.33.
Variant type: single nucleotide variant.
Coding change: c.2140+4C>T on transcript NM_004174.4 (MANE Select); 4 bases into the intron after coding-DNA position 2140, C replaced by T.
Molecular consequence: intron variant.
Genome position (GRCh38, 1-based): chr5:476,016, G>A on the plus strand (C>T on the coding strand, the complement: SLC9A3 is on the minus strand). VCF-style: chr5-476016-G-A. GRCh37 (hg19) VCF-style: chr5-476131-G-A.
Other names: c.2113+4C>T (NM_001284351.3).
Identifiers: ClinVar variation 1413953 (VCV001413953.6), dbSNP rs754918836, ClinGen allele CA3175557.